The following is an entry in ClinVar:

ClinVar aggregate classification (germline): Benign. Review status: criteria provided, multiple submitters, no conflicts (2 of 4 stars). 5 submissions from 5 submitters: Benign (4). 1 of the submissions does not count toward it. Last evaluated 2024-01-24.

Conditions:
Juvenile arthritis due to defect in LACC1. Also called: Juvenile arthritis. Identifiers: MedGen CN263340, MONDO:0032920, OMIM 618795.
Leprosy, susceptibility to, 1. Also called: Leprosy 1; LPRS1; LEPROSY, PAUCIBACILLARY TYPE, SUSCEPTIBILITY TO, 1. Identifiers: Orphanet 548, MedGen C1835932, MONDO:0012358, OMIM 609888.

Allele frequency attached by ClinVar (database versions not stated): gnomAD exomes 0.23551 and 0.27714; ESP Exome Variant Server 0.25204; gnomAD 0.26968 and 0.26736; ExAC 0.27021; 1000 Genomes Project 0.30591; 1000 Genomes Project 30x 0.30824; TOPMed 0.27926.

Submissions (5):

Unidad de Genómica Garrahan, Hospital de Pediatría Garrahan
Classification: Benign. Last evaluated: 2024-01-24. Review status: criteria provided, single submitter. Criteria: ACMG Guidelines, 2015. Collection method: clinical testing. Allele origin: germline. Affected: no. Observed: 40 variant alleles.
Comment: This variant is classified as Benign based on local population frequency. This variant was detected in 45% of patients studied by a panel of primary immunodeficiencies. Number of patients: 40. Only high quality variants are reported.

Mayo Clinic Laboratories, Mayo Clinic
Classification: Benign. Last evaluated: 2023-08-15. Review status: criteria provided, single submitter. Criteria: ACMG Guidelines, 2015. Collection method: clinical testing. Allele origin: germline. Observed: 205 variant alleles.
Comment: BA1, BS2

Genome-Nilou Lab
Classification: Benign for Juvenile arthritis due to defect in LACC1. Last evaluated: 2021-08-19. Review status: criteria provided, single submitter. Criteria: ACMG Guidelines, 2015. Collection method: clinical testing. Allele origin: germline. Affected: no.

Breakthrough Genomics
Classification: Benign. Review status: criteria provided, single submitter. Criteria: ACMG Guidelines, 2015. Collection method: not provided. Allele origin: germline. Inheritance: Autosomal recessive inheritance. Affected: yes.

Centro Dermatológico Federico Lleras Acosta, Hospital Universitario Centro Dermatológico Federico Lleras Acosta
Classification: Uncertain risk allele for Leprosy, susceptibility to, 1. Last evaluated: 2022-06-10. Review status: no assertion criteria provided. Collection method: case-control. Allele origin: inherited. Affected: yes. Not counted in ClinVar's aggregate classification.

Literature cited by the submitters: PubMed 27478939 (cited by Mayo Clinic Laboratories, Mayo Clinic); PubMed 29717096 (cited by Mayo Clinic Laboratories, Mayo Clinic); PubMed 33606008 (cited by Mayo Clinic Laboratories, Mayo Clinic).

NM_153218.4(LACC1):c.760A>G (p.Ile254Val)

Genes: CCDC122 (coiled-coil domain containing 122; minus strand), LACC1 (laccase domain containing 1; plus strand). Cytogenetic location: 13q14.11.
Variant type: single nucleotide variant.
Coding change: c.760A>G on transcript NM_153218.4 (MANE Select); coding-DNA position 760, A replaced by G.
Protein change: p.Ile254Val; replaces isoleucine 254 with valine.
Molecular consequence: missense variant. On other transcripts: 5 prime UTR variant (5).
Genome position (GRCh38, 1-based): chr13:43,883,789, A>G. VCF-style: chr13-43883789-A-G. GRCh37 (hg19) VCF-style: chr13-44457925-A-G.
Other names: p.Ile254Val; c.760A>G, p.Ile254Val (NM_001128303.2, NM_001350638.2, NM_001350639.2 and 4 more transcripts); c.-9A>G (NM_001350644.2, NM_001350645.2, NM_001350646.2 and 2 more transcripts); short protein forms I254V.
Identifiers: ClinVar variation 1300105 (VCV001300105.7), dbSNP rs3764147, ClinGen allele CA6969157.